The following is an entry in ClinVar:

ClinVar aggregate classification (germline): Uncertain significance (1 of 4 stars; one submission).

Submission:

GeneDx
Classification: Uncertain significance. Last evaluated: 2023-07-31. Review status: criteria provided, single submitter. Criteria: GeneDx Variant Classification Process June 2021. Collection method: clinical testing. Allele origin: germline. Affected: yes.
Comment: Not observed at significant frequency in large population cohorts (gnomAD); Canonical splice site variant in a gene for which loss-of-function is not an established mechanism of disease; Has not been previously published as pathogenic or benign to our knowledge

NM_002576.5(PAK1):c.1216+1G>A

Gene: PAK1 (p21 (RAC1) activated kinase 1; minus strand). Cytogenetic location: 11q13.5.
Variant type: single nucleotide variant.
Coding change: c.1216+1G>A on transcript NM_002576.5 (MANE Select); the canonical splice donor site of the intron after coding-DNA position 1216, G replaced by A.
Molecular consequence: splice donor variant. On other transcripts: intron variant (2).
Genome position (GRCh38, 1-based): chr11:77,337,323, C>T on the plus strand (G>A on the coding strand, the complement: PAK1 is on the minus strand). VCF-style: chr11-77337323-C-T. GRCh37 (hg19) VCF-style: chr11-77048368-C-T.
Other names: c.922+1G>A (NM_001376304.1, NM_001376305.1, NM_001376302.1); c.1216+1G>A (NM_001376273.1, NM_001376268.1, NM_001128620.2 and 21 more transcripts); c.967+1G>A (NM_001376301.1); c.1117-1064G>A (NM_001376290.1, NM_001376291.1); c.928+1G>A (NM_001376303.1); c.1039+1G>A (NM_001376295.1); c.1237+1G>A (NM_001376272.1); c.1207+1G>A (NM_001376294.1).
Identifiers: ClinVar variation 3361416 (VCV003361416.1).